The following is an entry in ClinVar:

NM_001374736.1(DST):c.14874C>G (p.Ser4958Arg)

Gene: DST (dystonin; minus strand). Cytogenetic location: 6p12.1.
Variant type: single nucleotide variant.
Coding change: c.14874C>G on transcript NM_001374736.1 (MANE Select); coding-DNA position 14874, C replaced by G.
Protein change: p.Ser4958Arg; replaces serine 4958 with arginine.
Molecular consequence: missense variant.
Genome position (GRCh38, 1-based): chr6:56,555,607, G>C on the plus strand (C>G on the coding strand, the complement: DST is on the minus strand). VCF-style: chr6-56555607-G-C. GRCh37 (hg19) VCF-style: chr6-56420405-G-C.
Other names: c.8517C>G, p.Ser2839Arg (NM_001144769.5); c.8103C>G, p.Ser2701Arg (NM_001144770.2); c.14874C>G, p.Ser4958Arg (NM_001374722.1); c.14241C>G, p.Ser4747Arg (NM_001374729.1); c.7983C>G, p.Ser2661Arg (NM_001374730.1, NM_001386100.1, NM_183380.4); c.14901C>G, p.Ser4967Arg (NM_001374734.1); c.7005C>G, p.Ser2335Arg (NM_015548.5); short protein forms S2335R, S2701R, S4747R, S2661R, S2839R, S4958R, S4967R.
Identifiers: ClinVar variation 1434461 (VCV001434461.25), dbSNP rs746641066, ClinGen allele CA3867913.
Genomic context (GRCh38, chr6:56,555,607, plus strand): 5'-CGTGCTCACAGCCAGACTGCTGCTGAGTTTATTATCCAAGTCACTCAGTTTATCAGAAAG[G>C]CTTCTCAGCAGGCTTTGATACTGTGTGCTTTTAACAATGGCTTGGTCAATCCAGTCACAT-3'
Protein context (NP_001361665.1, residues 4948-4968): KSTQYQSLLR[Ser4958Arg]LSDKLSDLDN

ClinVar aggregate classification (germline): Uncertain significance. Review status: criteria provided, multiple submitters, no conflicts (2 of 4 stars). 2 submissions from 2 submitters: Uncertain significance (2). Last evaluated 2024-01-01.

Conditions:
Epidermolysis bullosa simplex 3, localized or generalized intermediate, with BP230 deficiency (EBS3). Also called: Epidermolysis bullosa simplex due to BP230 deficiency; Epidermolysis bullosa simplex, autosomal recessive 2. Identifiers: Orphanet 412181, MedGen C3809470, MONDO:0014180, OMIM 615425.
Hereditary sensory and autonomic neuropathy type 6. Also called: Neuropathy, hereditary sensory and autonomic, type VI; HSAN VI. Identifiers: Orphanet 314381, MedGen C3539003, MONDO:0013839, OMIM 614653.

Allele frequency attached by ClinVar (database versions not stated): TOPMed 0.00005; gnomAD 0.00009 and 0.00010.
gnomAD v4.1: 91 of 1,613,872 alleles (0.0056%); highest among the groups gnomAD compares: African/African-American, 0.0093%; 1 homozygote.

Submissions (2):

CeGaT Center for Human Genetics Tuebingen
Classification: Uncertain significance. Last evaluated: 2024-01-01. Review status: criteria provided, single submitter. Criteria: CeGaT Center For Human Genetics Tuebingen Variant Classification Criteria Version 2. Collection method: clinical testing. Allele origin: germline. Affected: yes. Observed: 2 variant alleles.
Comment: DST: PM2, BP4

Labcorp Genetics (formerly Invitae), Labcorp
Classification: Uncertain significance for Epidermolysis bullosa simplex 3, localized or generalized intermediate, with BP230 deficiency; Hereditary sensory and autonomic neuropathy type 6. Last evaluated: 2022-06-22. Review status: criteria provided, single submitter. Criteria: Invitae Variant Classification Sherloc (09022015). Collection method: clinical testing. Allele origin: germline.
Comment: The DST gene has multiple clinically relevant transcripts. This variant occurs in alternate transcript NM_015548.4, and corresponds to NM_001723.5:c.*59910C>G in the primary transcript. This sequence change replaces serine, which is neutral and polar, with arginine, which is basic and polar, at codon 2335 of the DST protein (p.Ser2335Arg). This variant is present in population databases (rs746641066, gnomAD 0.008%). This variant has not been reported in the literature in individuals affected with DST-related conditions. Experimental studies and prediction algorithms are not available or were not evaluated, and the functional significance of this variant is currently unknown. In summary, the available evidence is currently insufficient to determine the role of this variant in disease. Therefore, it has been classified as a Variant of Uncertain Significance.